The following is an entry in ClinVar:

NM_004656.4(BAP1):c.38-9C>T

Gene: BAP1 (BRCA1 associated deubiquitinase 1; minus strand). Cytogenetic location: 3p21.1.
Variant type: single nucleotide variant.
Coding change: c.38-9C>T on transcript NM_004656.4 (MANE Select); 9 bases into the intron before coding-DNA position 38, C replaced by T.
Molecular consequence: intron variant.
Genome position (GRCh38, 1-based): chr3:52,409,752, G>A on the plus strand (C>T on the coding strand, the complement: BAP1 is on the minus strand). VCF-style: chr3-52409752-G-A. GRCh37 (hg19) VCF-style: chr3-52443768-G-A.
Identifiers: ClinVar variation 1572058 (VCV001572058.9), dbSNP rs1705308264, ClinGen allele CA2573137312.

ClinVar aggregate classification (germline): Likely benign. Review status: criteria provided, multiple submitters, no conflicts (2 of 4 stars). 2 submissions from 2 submitters: Likely benign (2). Last evaluated 2025-11-17.

Conditions:
BAP1-related tumor predisposition syndrome (TPDS1). Also called: Tumor susceptibility linked to germline BAP1 mutations; COMMON Syndrome; TUMOR PREDISPOSITION SYNDROME 1; BAP1 tumor predisposition syndrome. Identifiers: Orphanet 289539, MedGen C3280492, MONDO:0013692, OMIM 614327.

Submissions (2):

Labcorp Genetics (formerly Invitae), Labcorp
Classification: Likely benign for BAP1-related tumor predisposition syndrome. Last evaluated: 2025-11-17. Review status: criteria provided, single submitter. Criteria: Invitae Variant Classification Sherloc (09022015). Collection method: clinical testing. Allele origin: germline.

Myriad Genetics, Inc.
Classification: Likely benign for BAP1-related tumor predisposition syndrome. Last evaluated: 2024-07-11. Review status: criteria provided, single submitter. Criteria: Myriad Autosomal Dominant, Autosomal Recessive and X-Linked Classification Criteria (2023). Collection method: clinical testing. Allele origin: unknown.
Comment: This variant is considered likely benign. This variant is intronic and is not expected to impact mRNA splicing.